The following is an entry in ClinVar:

NM_001287491.2(TET3):c.5017C>A (p.His1673Asn)

Gene: TET3 (tet methylcytosine dioxygenase 3; plus strand). Cytogenetic location: 2p13.1.
Variant type: single nucleotide variant.
Coding change: c.5017C>A on transcript NM_001287491.2 (MANE Select); coding-DNA position 5017, C replaced by A.
Protein change: p.His1673Asn; replaces histidine 1673 with asparagine.
Molecular consequence: missense variant.
Genome position (GRCh38, 1-based): chr2:74,101,805, C>A. VCF-style: chr2-74101805-C-A. GRCh37 (hg19) VCF-style: chr2-74328932-C-A.
Other names: c.4738C>A, p.His1580Asn (NM_001366022.1); short protein forms H1580N, H1673N.
Identifiers: ClinVar variation 4531867 (VCV004531867.1).

ClinVar aggregate classification (germline): Uncertain significance (1 of 4 stars; one submission).

Conditions:
Beck-Fahrner syndrome (BEFAHRS). Identifiers: Orphanet 684216, MedGen C5394097, MONDO:0032922, OMIM 618798.

Submission:

Victorian Clinical Genetics Services, Murdoch Childrens Research Institute
Classification: Uncertain significance for Beck-Fahrner syndrome. Last evaluated: 2025-10-29. Review status: criteria provided, single submitter. Criteria: ACMG Guidelines, 2015. Collection method: clinical testing. Allele origin: germline. Affected: yes.
Comment: This variant is classified as VUS-3A. Evidence in support of pathogenic classification: Variant is absent from gnomAD (v2, v3 and v4). Additional information: Variant is predicted to result in a missense amino acid change from His to Asn; This variant is heterozygous; This gene is associated with both recessive and dominant disease. There is currently no established genotype-phenotype correlation; however, null variants have only been reported in autosomal dominant families. It has also been noted that both monoallelic and biallelic probands are phenotypically similar (PMID: 31928709, 34719681); This variant has no previous evidence of pathogenicity; No published evidence of segregation with disease has been identified for this variant; No published functional evidence has been identified for this variant; No comparable missense variants have previous evidence for pathogenicity; Variant is located in the annotated catalytic dioxygenase domain (DECIPHER, PMID: 19372391); Missense variant with inconclusive in silico prediction and uninformative conservation; Loss of function is a known mechanism of disease in this gene and is associated with Beck-Fahrner syndrome (MIM#618798). While biallelic missense variants have been functionally proven to be hypomorphic, dominant negative could not be excluded as the mechanism for monoallelic variants (PMID: 31928709); The condition associated with this gene has incomplete penetrance. In a biallelic family, carrier parents were reported to be clinically healthy (PMID: 34719681); Inheritance information for this variant is not currently available in this individual.

Literature cited by the submitters: PubMed 19372391; PubMed 34719681; PubMed 31928709.